The following is an entry in ClinVar:

ClinVar aggregate classification (germline): Uncertain significance. Review status: criteria provided, multiple submitters, no conflicts (2 of 4 stars). 2 submissions from 2 submitters: Uncertain significance (2). Last evaluated 2021-11-13.

Conditions:
Hypertrophic cardiomyopathy 1 (CMH1). Also called: MYH7-Related Familial Hypertrophic Cardiomyopathy; Familial hypertrophic cardiomyopathy 1. Identifiers: MedGen C3495498, MONDO:0008647, OMIM 192600.

Allele frequency attached by ClinVar (database versions not stated): gnomAD 0.00001; gnomAD exomes 0.00001; TOPMed 0.00001.
gnomAD v4.1: 6 of 1,613,534 alleles (0.00037%); highest among the groups gnomAD compares: Non-Finnish European, 0.00051%; no homozygotes.

Submissions (2):

Labcorp Genetics (formerly Invitae), Labcorp
Classification: Uncertain significance for Hypertrophic cardiomyopathy 1. Last evaluated: 2021-11-13. Review status: criteria provided, single submitter. Criteria: Invitae Variant Classification Sherloc (09022015). Collection method: clinical testing. Allele origin: germline.
Comment: In summary, the available evidence is currently insufficient to determine the role of this variant in disease. Therefore, it has been classified as a Variant of Uncertain Significance. Algorithms developed to predict the effect of missense changes on protein structure and function are either unavailable or do not agree on the potential impact of this missense change (SIFT: "Deleterious"; PolyPhen-2: "Probably Damaging"; Align-GVGD: "Class C0"). ClinVar contains an entry for this variant (Variation ID: 1316278). This variant has not been reported in the literature in individuals affected with MYLK2-related conditions. This variant is not present in population databases (gnomAD no frequency). This sequence change replaces serine, which is neutral and polar, with proline, which is neutral and non-polar, at codon 588 of the MYLK2 protein (p.Ser588Pro).

GeneDx
Classification: Uncertain significance. Last evaluated: 2021-02-03. Review status: criteria provided, single submitter. Criteria: GeneDx Variant Classification Process June 2021. Collection method: clinical testing. Allele origin: germline. Affected: yes.
Comment: Has not been previously published as pathogenic or benign to our knowledge; Not observed in large population cohorts (Lek et al., 2016); In silico analysis supports that this missense variant does not alter protein structure/function

NM_033118.4(MYLK2):c.1762T>C (p.Ser588Pro)

Gene: MYLK2 (myosin light chain kinase 2; plus strand). Cytogenetic location: 20q11.21.
Variant type: single nucleotide variant.
Coding change: c.1762T>C on transcript NM_033118.4 (MANE Select); coding-DNA position 1762, T replaced by C.
Protein change: p.Ser588Pro; replaces serine 588 with proline.
Molecular consequence: missense variant.
Genome position (GRCh38, 1-based): chr20:31,833,768, T>C. VCF-style: chr20-31833768-T-C. GRCh37 (hg19) VCF-style: chr20-30421571-T-C.
Other names: short protein forms S588P.
Identifiers: ClinVar variation 1316278 (VCV001316278.7), dbSNP rs1390693355, ClinGen allele CA408528629.